The following is an entry in ClinVar:

ClinVar aggregate classification (germline): Uncertain significance (1 of 4 stars; one submission).

Allele frequency attached by ClinVar (database versions not stated): gnomAD exomes below 0.00001; TOPMed below 0.00001; gnomAD 0.00001.

Submission:

Labcorp Genetics (formerly Invitae), Labcorp
Classification: Uncertain significance. Last evaluated: 2023-08-22. Review status: criteria provided, single submitter. Criteria: Invitae Variant Classification Sherloc (09022015). Collection method: clinical testing. Allele origin: germline.
Comment: Algorithms developed to predict the effect of sequence changes on RNA splicing suggest that this variant may disrupt the consensus splice site. In summary, the available evidence is currently insufficient to determine the role of this variant in disease. Therefore, it has been classified as a Variant of Uncertain Significance. This variant has not been reported in the literature in individuals affected with WNK4-related conditions. This sequence change falls in intron 7 of the WNK4 gene. It does not directly change the encoded amino acid sequence of the WNK4 protein. This variant is present in population databases (no rsID available, gnomAD 0.007%).

NM_032387.5(WNK4):c.1742-5A>G

Gene: WNK4 (WNK lysine deficient protein kinase 4; plus strand). Cytogenetic location: 17q21.2.
Variant type: single nucleotide variant.
Coding change: c.1742-5A>G on transcript NM_032387.5 (MANE Select); 5 bases into the intron before coding-DNA position 1742, A replaced by G.
Molecular consequence: intron variant.
Genome position (GRCh38, 1-based): chr17:42,787,773, A>G. VCF-style: chr17-42787773-A-G. GRCh37 (hg19) VCF-style: chr17-40939791-A-G.
Other names: c.734-5A>G (NM_001321299.2).
Identifiers: ClinVar variation 2979197 (VCV002979197.3), dbSNP rs1446944715, ClinGen allele CA626220483.